The following is an entry in ClinVar:

NM_000501.4(ELN):c.1187C>A (p.Thr396Asn)

Gene: ELN (elastin; plus strand). Cytogenetic location: 7q11.23.
Variant type: single nucleotide variant.
Coding change: c.1187C>A on transcript NM_000501.4 (MANE Select); coding-DNA position 1187, C replaced by A.
Protein change: p.Thr396Asn; replaces threonine 396 with asparagine.
Molecular consequence: missense variant.
Genome position (GRCh38, 1-based): chr7:74,056,307, C>A. VCF-style: chr7-74056307-C-A. GRCh37 (hg19) VCF-style: chr7-73470637-C-A.
Other names: c.1157C>A, p.Thr386Asn (NM_001081752.3, NM_001278917.2); c.1202C>A, p.Thr401Asn (NM_001081753.3, NM_001081754.3); c.1187C>A, p.Thr396Asn (NM_001081755.3, NM_001278912.2, NM_001278915.2 and 1 more transcripts); c.1079C>A, p.Thr360Asn (NM_001278913.2); c.1172C>A, p.Thr391Asn (NM_001278914.2); c.1145C>A, p.Thr382Asn (NM_001278916.2); c.1055C>A, p.Thr352Asn (NM_001278918.2); short protein forms T386N, T401N, T360N, T391N, T352N, T382N, T396N.
Identifiers: ClinVar variation 3674507 (VCV003674507.2).

ClinVar aggregate classification (germline): Uncertain significance (1 of 4 stars; one submission).

Conditions:
Supravalvar aortic stenosis (SVAS). Also called: Supravalvar aortic stenosis, Eisenberg type. Identifiers: Orphanet 3193, MedGen C0003499, MONDO:0008504, OMIM 185500, HP:0004381.

Submission:

Labcorp Genetics (formerly Invitae), Labcorp
Classification: Uncertain significance for Supravalvar aortic stenosis. Last evaluated: 2024-12-23. Review status: criteria provided, single submitter. Criteria: Invitae Variant Classification Sherloc (09022015). Collection method: clinical testing. Allele origin: germline.
Comment: This sequence change replaces threonine, which is neutral and polar, with asparagine, which is neutral and polar, at codon 396 of the ELN protein (p.Thr396Asn). This variant is not present in population databases (gnomAD no frequency). This variant has not been reported in the literature in individuals affected with ELN-related conditions. Invitae Evidence Modeling of protein sequence and biophysical properties (such as structural, functional, and spatial information, amino acid conservation, physicochemical variation, residue mobility, and thermodynamic stability) indicates that this missense variant is not expected to disrupt ELN protein function with a negative predictive value of 80%. In summary, the available evidence is currently insufficient to determine the role of this variant in disease. Therefore, it has been classified as a Variant of Uncertain Significance.